The following is an entry in ClinVar:

NM_020911.2(PLXNA4):c.1372-87037C>T

Gene: PLXNA4 (plexin A4; minus strand). Cytogenetic location: 7q32.3.
Variant type: single nucleotide variant.
Coding change: c.1372-87037C>T on transcript NM_020911.2 (MANE Select); 87037 bases into the intron before coding-DNA position 1372, C replaced by T.
Molecular consequence: intron variant. On other transcripts: nonsense (1).
Genome position (GRCh38, 1-based): chr7:132,385,259, G>A on the plus strand (C>T on the coding strand, the complement: PLXNA4 is on the minus strand). VCF-style: chr7-132385259-G-A. GRCh37 (hg19) VCF-style: chr7-132070018-G-A.
Other names: c.1408C>T, p.Gln470Ter (NM_001105543.2); c.1372-87037C>T (NM_001393897.1); short protein forms Q470*.
Identifiers: ClinVar variation 3054245 (VCV003054245.2), dbSNP rs778411872, ClinGen allele CA4490198.
Genomic context (GRCh38, chr7:132,385,259, plus strand): 5'-AACAGCTGGAGAACAGGAGTTCCAGAGTCACTGTTGCTCTGTGGGATCGGGGTCCCGTCT[G>A]TAGCTCAAGGGTAGGGCAGAGGCTGGTACCAGGCATCTGGAAAAGATGAAACCTTAGCAG-3'

ClinVar aggregate classification (germline): Uncertain significance (0 of 4 stars; one submission).

Conditions:
PLXNA4-related disorder. Also called: PLXNA4-related condition.

Allele frequency attached by ClinVar (database versions not stated): TOPMed 0.00004; ExAC 0.00007; gnomAD exomes 0.00002; gnomAD 0.00004.
gnomAD v4.1: 42 of 1,613,884 alleles (0.0026%); highest among the groups gnomAD compares: East Asian, 0.078%; no homozygotes.

Submission:

PreventionGenetics, part of Exact Sciences
Classification: Uncertain significance for PLXNA4-related condition. Last evaluated: 2024-01-03. Review status: no assertion criteria provided. Collection method: clinical testing. Allele origin: germline.
Comment: The PLXNA4 c.1408C>T variant is predicted to result in premature protein termination (p.Gln470*). In an alternate transcript (NM_020911.1), this variant is found within an intronic region (c.1372-87037C>T). To our knowledge, this variant has not been reported in the literature. This variant is reported in 0.14% of alleles in individuals of East Asian descent in gnomAD. Although we suspect that this variant may be benign, at this time, the clinical significance of this variant is uncertain due to the absence of conclusive functional and genetic evidence.